The following is an entry in ClinVar:

NM_001318734.2(KLC2):c.874T>C (p.Tyr292His)

Genes: KLC2 (kinesin light chain 2; plus strand), KLC2-AS1 (KLC2 antisense RNA 1; minus strand). Cytogenetic location: 11q13.2.
Variant type: single nucleotide variant.
Coding change: c.874T>C on transcript NM_001318734.2 (MANE Select); coding-DNA position 874, T replaced by C.
Protein change: p.Tyr292His; replaces tyrosine 292 with histidine.
Molecular consequence: missense variant.
Genome position (GRCh38, 1-based): chr11:66,263,884, T>C. VCF-style: chr11-66263884-T-C. GRCh37 (hg19) VCF-style: chr11-66031355-T-C.
Other names: c.643T>C, p.Tyr215His (NM_001134774.2); c.874T>C, p.Tyr292His (NM_001134775.2, NM_001134776.2, NM_022822.3); short protein forms Y215H, Y292H.
Identifiers: ClinVar variation 1923358 (VCV001923358.4), dbSNP rs199804716, ClinGen allele CA6117237.
Genomic context (GRCh38, chr11:66,263,884, plus strand): 5'-AAGAAGCTTCCGTTCTCCCACCTCCAGGTGGCTGCGACACTAAACAACCTGGCAGTCCTG[T>C]ATGGCAAGAGGGGCAAGTACAAGGAGGCTGAGCCATTGTGCAAGCGGGCACTGGAGATCC-3'
Protein context (NP_001305663.1, residues 282-302): AATLNNLAVL[Tyr292His]GKRGKYKEAE

ClinVar aggregate classification (germline): Uncertain significance (1 of 4 stars; one submission).

Allele frequency attached by ClinVar (database versions not stated): ExAC 0.00001; TOPMed 0.00003; gnomAD 0.00004; gnomAD exomes 0.00013; 1000 Genomes Project 30x 0.00016; 1000 Genomes Project 0.00020.
gnomAD v4.1: 195 of 1,614,070 alleles (0.012%); highest among the groups gnomAD compares: Non-Finnish European, 0.016%; no homozygotes.

Submission:

Labcorp Genetics (formerly Invitae), Labcorp
Classification: Uncertain significance. Last evaluated: 2024-03-29. Review status: criteria provided, single submitter. Criteria: Invitae Variant Classification Sherloc (09022015). Collection method: clinical testing. Allele origin: germline.
Comment: This sequence change replaces tyrosine, which is neutral and polar, with histidine, which is basic and polar, at codon 292 of the KLC2 protein (p.Tyr292His). The frequency data for this variant in the population databases is considered unreliable, as metrics indicate poor data quality at this position in the gnomAD database. This variant has not been reported in the literature in individuals affected with KLC2-related conditions. ClinVar contains an entry for this variant (Variation ID: 1923358). An algorithm developed to predict the effect of missense changes on protein structure and function (PolyPhen-2) suggests that this variant is likely to be disruptive. In summary, the available evidence is currently insufficient to determine the role of this variant in disease. Therefore, it has been classified as a Variant of Uncertain Significance.